The following is an entry in ClinVar:

ClinVar aggregate classification (germline): Uncertain significance. Review status: criteria provided, multiple submitters, no conflicts (2 of 4 stars). 3 submissions from 3 submitters: Uncertain significance (3). Last evaluated 2025-01-17.

Conditions:
Multiple gastrointestinal atresias. Also called: FAMILIAL INTESTINAL POLYATRESIA SYNDROME; Multiple intestinal atresia. Identifiers: Orphanet 2300, MedGen C0220744, MONDO:0009465.
Inborn genetic diseases. Identifiers: MedGen C0950123, MeSH D030342.

Allele frequency attached by ClinVar (database versions not stated): gnomAD exomes below 0.00001 and 0.00001.
gnomAD v4.1: 8 of 1,614,172 alleles (0.0005%); highest among the groups gnomAD compares: African/African-American, 0.0013%; no homozygotes.

Submissions (3):

Ambry Genetics
Classification: Uncertain significance for Inborn genetic diseases. Last evaluated: 2025-01-17. Review status: criteria provided, single submitter. Criteria: Ambry Variant Classification Scheme 2023. Collection method: clinical testing. Allele origin: germline.

Labcorp Genetics (formerly Invitae), Labcorp
Classification: Uncertain significance for Multiple gastrointestinal atresias. Last evaluated: 2021-05-06. Review status: criteria provided, single submitter. Criteria: Invitae Variant Classification Sherloc (09022015). Collection method: clinical testing. Allele origin: germline.
Comment: This variant has not been reported in the literature in individuals with TTC7A-related conditions. In summary, the available evidence is currently insufficient to determine the role of this variant in disease. Therefore, it has been classified as a Variant of Uncertain Significance. Algorithms developed to predict the effect of missense changes on protein structure and function are either unavailable or do not agree on the potential impact of this missense change (SIFT: "Tolerated"; PolyPhen-2: "Possibly Damaging"; Align-GVGD: "Class C0"). This variant is not present in population databases (ExAC no frequency). This sequence change replaces glycine with serine at codon 759 of the TTC7A protein (p.Gly759Ser). The glycine residue is moderately conserved and there is a small physicochemical difference between glycine and serine.

Mayo Clinic Laboratories, Mayo Clinic
Classification: Uncertain significance. Last evaluated: 2020-09-22. Review status: criteria provided, single submitter. Criteria: ACMG Guidelines, 2015. Collection method: clinical testing. Allele origin: germline. Observed: 1 variant allele.

NM_020458.4(TTC7A):c.2275G>A (p.Gly759Ser)

Gene: TTC7A (tetratricopeptide repeat domain 7A; plus strand). Cytogenetic location: 2p21.
Variant type: single nucleotide variant.
Coding change: c.2275G>A on transcript NM_020458.4 (MANE Select); coding-DNA position 2275, G replaced by A.
Protein change: p.Gly759Ser; replaces glycine 759 with serine.
Molecular consequence: missense variant.
Genome position (GRCh38, 1-based): chr2:47,060,891, G>A. VCF-style: chr2-47060891-G-A. GRCh37 (hg19) VCF-style: chr2-47288030-G-A.
Other names: c.2347G>A, p.Gly783Ser (NM_001288951.2); c.2173G>A, p.Gly725Ser (NM_001288953.2); c.1213G>A, p.Gly405Ser (NM_001288955.2); c.2275G>A (NM_020458.2); short protein forms G405S, G725S, G759S, G783S.
Identifiers: ClinVar variation 1163796 (VCV001163796.13), dbSNP rs1422354897, ClinGen allele CA346714929.